The following is an entry in ClinVar:

ClinVar aggregate classification (germline): Uncertain significance. Review status: criteria provided, multiple submitters, no conflicts (2 of 4 stars). 2 submissions from 2 submitters: Uncertain significance (2). Last evaluated 2025-08-24.

Conditions:
UTP4-related disorder. Also called: UTP4-related condition.

Allele frequency attached by ClinVar (database versions not stated): gnomAD 0.00001; gnomAD exomes 0.00002; TOPMed 0.00002.
gnomAD v4.1: 33 of 1,614,010 alleles (0.002%); highest among the groups gnomAD compares: Admixed American, 0.0033%; no homozygotes.

Submissions (2):

PreventionGenetics, part of Exact Sciences
Classification: Uncertain significance for UTP4-related condition. Last evaluated: 2025-08-24. Review status: criteria provided, single submitter. Criteria: ACMG Guidelines, 2015. Collection method: clinical testing. Allele origin: germline.
Comment: The UTP4 c.215A>G variant is predicted to result in the amino acid substitution p.Gln72Arg. To our knowledge, this variant has not been reported in the literature. This variant is reported in 0.00088% of alleles in individuals of European (Non-Finnish) descent in gnomAD. At this time, the clinical significance of this variant is uncertain due to the absence of conclusive functional and genetic evidence.

Labcorp Genetics (formerly Invitae), Labcorp
Classification: Uncertain significance. Last evaluated: 2024-06-22. Review status: criteria provided, single submitter. Criteria: Invitae Variant Classification Sherloc (09022015). Collection method: clinical testing. Allele origin: germline.
Comment: This sequence change replaces glutamine, which is neutral and polar, with arginine, which is basic and polar, at codon 72 of the UTP4 protein (p.Gln72Arg). This variant is present in population databases (no rsID available, gnomAD 0.003%). This variant has not been reported in the literature in individuals affected with UTP4-related conditions. Advanced modeling of protein sequence and biophysical properties (such as structural, functional, and spatial information, amino acid conservation, physicochemical variation, residue mobility, and thermodynamic stability) performed at Invitae indicates that this missense variant is not expected to disrupt UTP4 protein function with a negative predictive value of 80%. In summary, the available evidence is currently insufficient to determine the role of this variant in disease. Therefore, it has been classified as a Variant of Uncertain Significance.

NM_032830.3(UTP4):c.215A>G (p.Gln72Arg)

Gene: UTP4 (UTP4 small subunit processome component). Cytogenetic location: 16q22.1.
Variant type: single nucleotide variant.
Coding change: c.215A>G on transcript NM_032830.3 (MANE Select); coding-DNA position 215, A replaced by G.
Protein change: p.Gln72Arg; replaces glutamine 72 with arginine.
Molecular consequence: missense variant. On other transcripts: 5 prime UTR variant (1).
Genome position (GRCh38, 1-based): chr16:69,136,751, A>G. VCF-style: chr16-69136751-A-G. GRCh37 (hg19) VCF-style: chr16-69170654-A-G.
Other names: c.-35A>G (NM_001318391.2); c.215A>G (NM_032830.2); short protein forms Q72R.
Identifiers: ClinVar variation 2969613 (VCV002969613.4), dbSNP rs1011769950, ClinGen allele CA283332355.